The following is an entry in ClinVar:

NM_198578.4(LRRK2):c.7066A>G (p.Thr2356Ala)

Gene: LRRK2 (leucine rich repeat kinase 2; plus strand). Cytogenetic location: 12q12.
Variant type: single nucleotide variant.
Coding change: c.7066A>G on transcript NM_198578.4 (MANE Select); coding-DNA position 7066, A replaced by G.
Protein change: p.Thr2356Ala; replaces threonine 2356 with alanine.
Molecular consequence: missense variant.
Genome position (GRCh38, 1-based): chr12:40,363,439, A>G. VCF-style: chr12-40363439-A-G. GRCh37 (hg19) VCF-style: chr12-40757241-A-G.
Other names: short protein forms T2356A.
Identifiers: ClinVar variation 3638972 (VCV003638972.2).
Genomic context (GRCh38, chr12:40,363,439, plus strand): 5'-TTTCTATTTTTTTTTCTCTGTAGGTTTTCTTATGCAGCTTTCAGTGATTCCAACATCATA[A>G]CAGTGGTGGTAGACACTGCTCTCTATATTGCTAAGCAAAATAGCCCTGTTGTGGAAGTGT-3'
Protein context (NP_940980.4, residues 2346-2366): YAAFSDSNII[Thr2356Ala]VVVDTALYIA

ClinVar aggregate classification (germline): Uncertain significance (1 of 4 stars; one submission).

Conditions:
Autosomal dominant Parkinson disease 8. Also called: LRRK2-Related Parkinson Disease; Parkinson disease 8; Parkinson disease 8, susceptibility to. Identifiers: Orphanet 411602, MedGen C1846862, MONDO:0011764, OMIM 607060.

Submission:

Labcorp Genetics (formerly Invitae), Labcorp
Classification: Uncertain significance for Autosomal dominant Parkinson disease 8. Last evaluated: 2024-02-05. Review status: criteria provided, single submitter. Criteria: Invitae Variant Classification Sherloc (09022015). Collection method: clinical testing. Allele origin: germline.
Comment: This sequence change replaces threonine, which is neutral and polar, with alanine, which is neutral and non-polar, at codon 2356 of the LRRK2 protein (p.Thr2356Ala). This variant is not present in population databases (gnomAD no frequency). This variant has not been reported in the literature in individuals affected with LRRK2-related conditions. Algorithms developed to predict the effect of missense changes on protein structure and function output the following: SIFT: "Not Available"; PolyPhen-2: "Benign"; Align-GVGD: "Not Available". The alanine amino acid residue is found in multiple mammalian species, which suggests that this missense change does not adversely affect protein function. In summary, the available evidence is currently insufficient to determine the role of this variant in disease. Therefore, it has been classified as a Variant of Uncertain Significance.